The following is an entry in ClinVar:

ClinVar aggregate classification (germline): Uncertain significance. Review status: criteria provided, multiple submitters, no conflicts (2 of 4 stars). 3 submissions from 3 submitters: Uncertain significance (3). Last evaluated 2024-11-09.

Conditions:
COL10A1-related disorder. Also called: COL10A1-related condition.
Inborn genetic diseases. Identifiers: MedGen C0950123, MeSH D030342.

Allele frequency attached by ClinVar (database versions not stated): gnomAD 0.00004; ESP Exome Variant Server 0.00008.
gnomAD v4.1: 145 of 1,613,834 alleles (0.009%); highest among the groups gnomAD compares: Non-Finnish European, 0.012%; no homozygotes.

Submissions (3):

Ambry Genetics
Classification: Uncertain significance for Inborn genetic diseases. Last evaluated: 2024-11-09. Review status: criteria provided, single submitter. Criteria: Ambry Variant Classification Scheme 2023. Collection method: clinical testing. Allele origin: germline.

PreventionGenetics, part of Exact Sciences
Classification: Uncertain significance for COL10A1-related condition. Last evaluated: 2023-05-16. Review status: criteria provided, single submitter. Criteria: ACMG Guidelines, 2015. Collection method: clinical testing. Allele origin: germline.
Comment: The COL10A1 c.839C>G variant is predicted to result in the amino acid substitution p.Thr280Arg. To our knowledge, this variant has not been reported in the literature. This variant is reported in 0.0071% of alleles in individuals of European (Non-Finnish) descent in gnomAD. At this time, the clinical significance of this variant is uncertain due to the absence of conclusive functional and genetic evidence.

Labcorp Genetics (formerly Invitae), Labcorp
Classification: Uncertain significance. Last evaluated: 2022-08-23. Review status: criteria provided, single submitter. Criteria: Invitae Variant Classification Sherloc (09022015). Collection method: clinical testing. Allele origin: germline.
Comment: This sequence change replaces threonine, which is neutral and polar, with arginine, which is basic and polar, at codon 280 of the COL10A1 protein (p.Thr280Arg). This variant is present in population databases (rs370578053, gnomAD 0.008%). This variant has not been reported in the literature in individuals affected with COL10A1-related conditions. ClinVar contains an entry for this variant (Variation ID: 1477507). Algorithms developed to predict the effect of missense changes on protein structure and function are either unavailable or do not agree on the potential impact of this missense change (SIFT: "Tolerated"; PolyPhen-2: "Not Available"; Align-GVGD: "Class C0"). In summary, the available evidence is currently insufficient to determine the role of this variant in disease. Therefore, it has been classified as a Variant of Uncertain Significance.

NM_000493.4(COL10A1):c.839C>G (p.Thr280Arg)

Genes: COL10A1 (collagen type X alpha 1 chain; minus strand), NT5DC1 (5'-nucleotidase domain containing 1; plus strand). Cytogenetic location: 6q22.1.
Variant type: single nucleotide variant.
Coding change: c.839C>G on transcript NM_000493.4 (MANE Select); coding-DNA position 839, C replaced by G.
Protein change: p.Thr280Arg; replaces threonine 280 with arginine.
Molecular consequence: missense variant. On other transcripts: intron variant (1).
Genome position (GRCh38, 1-based): chr6:116,121,277, G>C on the plus strand (C>G on the coding strand, the complement: COL10A1 is on the minus strand). VCF-style: chr6-116121277-G-C. GRCh37 (hg19) VCF-style: chr6-116442440-G-C.
Other names: c.839C>G, p.Thr280Arg (NM_001424106.1, NM_001424107.1); c.529+3332G>C (NM_152729.3); short protein forms T280R.
Identifiers: ClinVar variation 1477507 (VCV001477507.10), dbSNP rs370578053, ClinGen allele CA3968313.